The following is an entry in ClinVar:

ClinVar aggregate classification (germline): Likely pathogenic (1 of 4 stars; one submission).

Conditions:
Cystinuria (CSNU). Also called: CYSTINURIA, TYPE I; CYSTINURIA, TYPE II; CYSTINURIA, TYPE III; Cystinuria, non-type I. Identifiers: Orphanet 214, MedGen C0010691, MONDO:0009067, OMIM 220100, HP:0003131.

Submission:

Labcorp Genetics (formerly Invitae), Labcorp
Classification: Likely pathogenic for Cystinuria. Last evaluated: 2020-11-17. Review status: criteria provided, single submitter. Criteria: Invitae Variant Classification Sherloc (09022015). Collection method: clinical testing. Allele origin: germline.
Comment: This sequence change affects a donor splice site in intron 4 of the SLC3A1 gene. It is expected to disrupt RNA splicing. Variants that disrupt the donor or acceptor splice site typically lead to a loss of protein function (PMID: 16199547), and loss-of-function variants in SLC3A1 are known to be pathogenic (PMID: 24610330, 25109415, 25964309). This variant is not present in population databases (ExAC no frequency). This variant has not been reported in the literature in individuals with SLC3A1-related conditions. Algorithms developed to predict the effect of sequence changes on RNA splicing suggest that this variant may disrupt the consensus splice site, but this prediction has not been confirmed by published transcriptional studies. In summary, the currently available evidence indicates that the variant is pathogenic, but additional data are needed to prove that conclusively. Therefore, this variant has been classified as Likely Pathogenic.

Literature cited by the submitters: PubMed 16199547; PubMed 24610330; PubMed 25109415; PubMed 25964309.

NM_000341.4(SLC3A1):c.891+2T>C

Gene: SLC3A1 (solute carrier family 3 member 1; plus strand). Cytogenetic location: 2p21.
Variant type: single nucleotide variant.
Coding change: c.891+2T>C on transcript NM_000341.4 (MANE Select); the canonical splice donor site of the intron after coding-DNA position 891, T replaced by C.
Molecular consequence: splice donor variant.
Genome position (GRCh38, 1-based): chr2:44,286,159, T>C. VCF-style: chr2-44286159-T-C. GRCh37 (hg19) VCF-style: chr2-44513298-T-C.
Identifiers: ClinVar variation 1495069 (VCV001495069.8), dbSNP rs2104342335, ClinGen allele CA346690346.